The following is an entry in ClinVar:

NM_020975.6(RET):c.25G>T (p.Ala9Ser)

Genes: RET (ret proto-oncogene; plus strand), LOC106736614 (RET 5' regulatory region; plus strand). Cytogenetic location: 10q11.21.
Variant type: single nucleotide variant.
Coding change: c.25G>T on transcript NM_020975.6 (MANE Select); coding-DNA position 25, G replaced by T.
Protein change: p.Ala9Ser; replaces alanine 9 with serine.
Molecular consequence: missense variant.
Genome position (GRCh38, 1-based): chr10:43,077,283, G>T. VCF-style: chr10-43077283-G-T. GRCh37 (hg19) VCF-style: chr10-43572731-G-T.
Other names: c.25G>T, p.Ala9Ser (NM_001406779.1, NM_001406780.1, NM_001406781.1 and 38 more transcripts); short protein forms A9S.
Identifiers: ClinVar variation 3070336 (VCV003070336.4), dbSNP rs2132497871, ClinGen allele CA376768043.

ClinVar aggregate classification (germline): Uncertain significance. Review status: criteria provided, multiple submitters, no conflicts (2 of 4 stars). 3 submissions from 3 submitters: Uncertain significance (3). Last evaluated 2025-12-31.

Conditions:
Hereditary cancer-predisposing syndrome. Also called: Neoplastic Syndromes, Hereditary; Tumor predisposition; Hereditary Cancer Syndrome; Hereditary neoplastic syndrome. Identifiers: Orphanet 140162, MedGen C0027672, MeSH D009386, MONDO:0015356.
Multiple endocrine neoplasia, type 2 (MEN2). Identifiers: Orphanet 653, MedGen C4048306, MONDO:0019003. Disease mechanism: gain of function.

Submissions (3):

Ambry Genetics
Classification: Uncertain significance for Hereditary cancer-predisposing syndrome. Last evaluated: 2025-12-31. Review status: criteria provided, single submitter. Criteria: Ambry Variant Classification Scheme 2023. Collection method: clinical testing. Allele origin: germline.
Comment: The p.A9S variant (also known as c.25G>T), located in coding exon 1 of the RET gene, results from a G to T substitution at nucleotide position 25. The alanine at codon 9 is replaced by serine, an amino acid with similar properties. This amino acid position is not well conserved in available vertebrate species. In addition, the in silico prediction for this alteration is inconclusive. Based on the available evidence, the clinical significance of this variant remains unclear.

Labcorp Genetics (formerly Invitae), Labcorp
Classification: Uncertain significance for Multiple endocrine neoplasia, type 2. Last evaluated: 2024-06-24. Review status: criteria provided, single submitter. Criteria: Invitae Variant Classification Sherloc (09022015). Collection method: clinical testing. Allele origin: germline.
Comment: This sequence change replaces alanine, which is neutral and non-polar, with serine, which is neutral and polar, at codon 9 of the RET protein (p.Ala9Ser). This variant is not present in population databases (gnomAD no frequency). This variant has not been reported in the literature in individuals affected with RET-related conditions. An algorithm developed to predict the effect of missense changes on protein structure and function (PolyPhen-2) suggests that this variant is likely to be tolerated. In summary, the available evidence is currently insufficient to determine the role of this variant in disease. Therefore, it has been classified as a Variant of Uncertain Significance.

All of Us Research Program, National Institutes of Health
Classification: Uncertain significance for Multiple endocrine neoplasia, type 2. Last evaluated: 2023-04-27. Review status: criteria provided, single submitter. Criteria: ACMG Guidelines, 2015. Collection method: clinical testing. Allele origin: germline. Inheritance: Autosomal dominant inheritance. Observed: 1 variant allele, 1 heterozygote.
Comment: This study involves interpretation of variants in research participants for the purpose of population health screening. Participant phenotype was not available at the time of variant classification. Additional details can be found in publication PMID: 35346344, PMCID: PMC8962531